The following is an entry in ClinVar:

NM_004260.4(RECQL4):c.1067T>C (p.Leu356Pro)

Gene: RECQL4 (RecQ like helicase 4; minus strand). Cytogenetic location: 8q24.3.
Variant type: single nucleotide variant.
Coding change: c.1067T>C on transcript NM_004260.4 (MANE Select); coding-DNA position 1067, T replaced by C.
Protein change: p.Leu356Pro; replaces leucine 356 with proline.
Molecular consequence: missense variant. On other transcripts: 5 prime UTR variant (17), non-coding transcript variant (3).
Genome position (GRCh38, 1-based): chr8:144,516,052, A>G on the plus strand (T>C on the coding strand, the complement: RECQL4 is on the minus strand). VCF-style: chr8-144516052-A-G. GRCh37 (hg19) VCF-style: chr8-145741436-A-G.
Other names: c.971T>C, p.Leu324Pro (NM_001413017.1, NM_001413020.1); c.1067T>C, p.Leu356Pro (NM_001413018.1, NM_001413019.1, NM_001413033.1 and 2 more transcripts); c.-5T>C (NM_001413021.1, NM_001413022.1, NM_001413023.1 and 8 more transcripts); c.938T>C, p.Leu313Pro (NM_001413025.1); c.-67T>C (NM_001413027.1, NM_001413030.1, NM_001413031.1 and 2 more transcripts); c.716T>C, p.Leu239Pro (NM_001413029.1); c.-274T>C (NM_001413043.1); short protein forms L356P, L324P, L239P, L313P.
Identifiers: ClinVar variation 2736905 (VCV002736905.3), dbSNP rs2130716642, ClinGen allele CA372688191.

ClinVar aggregate classification (germline): Uncertain significance (1 of 4 stars; one submission).

Conditions:
Baller-Gerold syndrome (BGS). Also called: CRANIOSYNOSTOSIS WITH RADIAL DEFECTS. Identifiers: Orphanet 1225, MedGen C0265308, MONDO:0009039, OMIM 218600.

Submission:

Labcorp Genetics (formerly Invitae), Labcorp
Classification: Uncertain significance for Baller-Gerold syndrome. Last evaluated: 2023-07-07. Review status: criteria provided, single submitter. Criteria: Invitae Variant Classification Sherloc (09022015). Collection method: clinical testing. Allele origin: germline.
Comment: This sequence change replaces leucine, which is neutral and non-polar, with proline, which is neutral and non-polar, at codon 356 of the RECQL4 protein (p.Leu356Pro). This variant is not present in population databases (gnomAD no frequency). This variant has not been reported in the literature in individuals affected with RECQL4-related conditions. Advanced modeling of protein sequence and biophysical properties (such as structural, functional, and spatial information, amino acid conservation, physicochemical variation, residue mobility, and thermodynamic stability) performed at Invitae indicates that this missense variant is expected to disrupt RECQL4 protein function. In summary, the available evidence is currently insufficient to determine the role of this variant in disease. Therefore, it has been classified as a Variant of Uncertain Significance.